The following is an entry in ClinVar:

NM_000465.4(BARD1):c.1315-14_1315-12del

Gene: BARD1 (BRCA1 associated RING domain 1; minus strand). Cytogenetic location: 2q35.
Variant type: Deletion.
Coding change: c.1315-14_1315-12del on transcript NM_000465.4 (MANE Select); 14 bases into the intron before coding-DNA position 1315 through 12 bases into the intron before coding-DNA position 1315, 3 bases deleted (GTT; older notation c.1315-14_1315-12delGTT).
Molecular consequence: intron variant.
Genome position (GRCh38, 1-based): chr2:214,769,324-214,769,326, AAC deleted on the plus strand (GTT on the coding strand, the reverse complement: BARD1 is on the minus strand); deleting any 3 consecutive bases within chr2:214,769,324-214,769,328 gives the same sequence; the c. name uses the placement nearest the transcript's 3' end. VCF-style (leftmost placement, unchanged base first): chr2-214769323-GAAC-G. GRCh37 (hg19) VCF-style: chr2-215634047-GAAC-G.
Other names: c.159-16771_159-16769del (NM_001282548.2); c.1258-14_1258-12del (NM_001282543.2); c.216-16771_216-16769del (NM_001282545.2); c.364+22971_364+22973del (NM_001282549.2); c.1315-14_1315-12delGTT (NM_000465.3).
Identifiers: ClinVar variation 490929 (VCV000490929.13), dbSNP rs1353760975, ClinGen allele CA539520519.

ClinVar aggregate classification (germline): Likely benign. Review status: criteria provided, multiple submitters, no conflicts (2 of 4 stars). 3 submissions from 3 submitters: Likely benign (3). Last evaluated 2024-07-24.

Conditions:
Hereditary cancer-predisposing syndrome. Also called: Hereditary Cancer Syndrome; Neoplastic Syndromes, Hereditary; Tumor predisposition; Hereditary neoplastic syndrome. Identifiers: Orphanet 140162, MedGen C0027672, MeSH D009386, MONDO:0015356.
Familial cancer of breast. Also called: Hereditary breast cancer; BREAST CANCER, FAMILIAL; hereditary breast carcinoma. Identifiers: Orphanet 227535, MedGen C0346153, MONDO:0016419, OMIM 114480. Disease mechanism: loss of function.

Submissions (3):

Myriad Genetics, Inc.
Classification: Likely benign for Familial cancer of breast. Last evaluated: 2024-07-24. Review status: criteria provided, single submitter. Criteria: Myriad Autosomal Dominant, Autosomal Recessive and X-Linked Classification Criteria (2023). Collection method: clinical testing. Allele origin: unknown.
Comment: This variant is considered likely benign. This variant is intronic and is not expected to impact mRNA splicing.

Labcorp Genetics (formerly Invitae), Labcorp
Classification: Likely benign for Familial cancer of breast. Last evaluated: 2021-11-04. Review status: criteria provided, single submitter. Criteria: Invitae Variant Classification Sherloc (09022015). Collection method: clinical testing. Allele origin: germline.

Color Diagnostics, LLC DBA Color Health
Classification: Likely benign for Hereditary cancer-predisposing syndrome. Last evaluated: 2017-09-14. Review status: criteria provided, single submitter. Criteria: ACMG Guidelines, 2015. Collection method: clinical testing. Allele origin: germline.